The following is an entry in ClinVar:

ClinVar aggregate classification (germline): Benign. Review status: criteria provided, multiple submitters, no conflicts (2 of 4 stars). 3 submissions from 2 submitters: Benign (3). Last evaluated 2021-05-13.

Conditions:
Long QT syndrome 5 (LQT5). Identifiers: Orphanet 101016, Orphanet 768, MedGen C1867904, MONDO:0013372, OMIM 613695.
Jervell and Lange-Nielsen syndrome 2 (JLNS2). Identifiers: Orphanet 768, Orphanet 90647, MedGen C2676723, MONDO:0012871, OMIM 612347.

Allele frequency attached by ClinVar (database versions not stated): gnomAD 0.01957; 1000 Genomes Project 0.02017; TOPMed 0.02106.

Submissions (3):

GeneDx
Classification: Benign. Last evaluated: 2021-05-13. Review status: criteria provided, single submitter. Criteria: GeneDx Variant Classification Process June 2021. Collection method: clinical testing. Allele origin: germline. Affected: yes.

Illumina Laboratory Services, Illumina
Classification: Benign for Long QT syndrome 5. Last evaluated: 2018-01-13. Review status: criteria provided, single submitter. Criteria: ICSL Variant Classification Criteria 13 December 2019. Collection method: clinical testing. Allele origin: germline.
Comment: This variant was observed in the ICSL laboratory as part of a predisposition screen in an ostensibly healthy population. It had not been previously curated by ICSL or reported in the Human Gene Mutation Database (HGMD: prior to June 1st, 2018), and was therefore a candidate for classification through an automated scoring system. Utilizing variant allele frequency, disease prevalence and penetrance estimates, and inheritance mode, an automated score was calculated to assess if this variant is too frequent to cause the disease. Based on the score and internal cut-off values, a variant classified as benign is not then subjected to further curation. The score for this variant resulted in a classification of benign for this disease.

Illumina Laboratory Services, Illumina
Classification: Benign for Jervell and Lange-Nielsen syndrome 2. Last evaluated: 2018-01-13. Review status: criteria provided, single submitter. Criteria: ICSL Variant Classification Criteria 13 December 2019. Collection method: clinical testing. Allele origin: germline.
Comment: the same text as in the submission from Illumina Laboratory Services, Illumina above.

NM_000219.6(KCNE1):c.*2103C>T

Gene: KCNE1 (potassium voltage-gated channel subfamily E regulatory subunit 1; minus strand). Cytogenetic location: 21q22.12.
Variant type: single nucleotide variant.
Coding change: c.*2103C>T on transcript NM_000219.6 (MANE Select); 2103 bases downstream of the stop codon, C replaced by T.
Molecular consequence: 3 prime UTR variant.
Genome position (GRCh38, 1-based): chr21:34,447,142, G>A on the plus strand (C>T on the coding strand, the complement: KCNE1 is on the minus strand). VCF-style: chr21-34447142-G-A. GRCh37 (hg19) VCF-style: chr21-35819440-G-A.
Other names: c.*2103C>T (NM_001127668.4, NM_001127669.4, NM_001127670.4 and 4 more transcripts).
Identifiers: ClinVar variation 339729 (VCV000339729.8), dbSNP rs41312367, ClinGen allele CA10650381.